The following is an entry in ClinVar:

ClinVar aggregate classification (germline): Likely benign (1 of 4 stars; one submission).

Conditions:
Marfan syndrome (MFS). Also called: MARFAN SYNDROME, TYPE I; Marfan syndrome type 1; Marfan's syndrome; Marfan syndrome, classic; FBN1-Related Marfan Syndrome. Identifiers: Orphanet 284963, Orphanet 558, MedGen C0024796, MONDO:0007947, OMIM 154700.

Submission:

All of Us Research Program, National Institutes of Health
Classification: Likely benign for Marfan syndrome. Last evaluated: 2023-12-13. Review status: criteria provided, single submitter. Criteria: ACMG Guidelines, 2015. Collection method: clinical testing. Allele origin: germline. Inheritance: Autosomal dominant inheritance. Observed: 1 variant allele, 1 heterozygote.
Comment: This study involves interpretation of variants in research participants for the purpose of population health screening. Participant phenotype was not available at the time of variant classification. Additional details can be found in publication PMID: 35346344, PMCID: PMC8962531

NM_000138.5(FBN1):c.5918-6T>C

Gene: FBN1 (fibrillin 1; minus strand). Cytogenetic location: 15q21.1.
Variant type: single nucleotide variant.
Coding change: c.5918-6T>C on transcript NM_000138.5 (MANE Select); 6 bases into the intron before coding-DNA position 5918, T replaced by C.
Molecular consequence: intron variant.
Genome position (GRCh38, 1-based): chr15:48,444,666, A>G on the plus strand (T>C on the coding strand, the complement: FBN1 is on the minus strand). VCF-style: chr15-48444666-A-G. GRCh37 (hg19) VCF-style: chr15-48736863-A-G.
Other names: c.5918-6T>C (NM_001406716.1).
Identifiers: ClinVar variation 3074978 (VCV003074978.1), dbSNP rs2043140413, ClinGen allele CA2175512333.